The following is an entry in ClinVar:

NM_000088.4(COL1A1):c.690A>G (p.Gly230=)

Gene: COL1A1 (collagen type I alpha 1 chain; minus strand). Cytogenetic location: 17q21.33.
Variant type: single nucleotide variant.
Coding change: c.690A>G on transcript NM_000088.4 (MANE Select); coding-DNA position 690, A replaced by G.
Protein change: p.Gly230=; no amino-acid change (glycine 230 retained).
Molecular consequence: synonymous variant.
Genome position (GRCh38, 1-based): chr17:50,197,738, T>C on the plus strand (A>G on the coding strand, the complement: COL1A1 is on the minus strand). VCF-style: chr17-50197738-T-C. GRCh37 (hg19) VCF-style: chr17-48275099-T-C.
Identifiers: ClinVar variation 784733 (VCV000784733.16), dbSNP rs776786081, ClinGen allele CA8645598.

ClinVar aggregate classification (germline): Likely benign. Review status: criteria provided, multiple submitters, no conflicts (2 of 4 stars). 4 submissions from 4 submitters: Likely benign (3). 1 of the submissions does not count toward it. Last evaluated 2026-01-18.

Conditions:
COL1A1-related disorder. Also called: COL1A1- related disease; COL1A1-related condition.
Cardiovascular phenotype. Identifiers: MedGen CN230736.
Osteogenesis imperfecta type I (OI1). Also called: Lobstein disease; OI, TYPE I; OSTEOGENESIS IMPERFECTA TARDA; OSTEOGENESIS IMPERFECTA WITH BLUE SCLERAE; Classic Non-deforming Osteogenesis Imperfecta with Blue Sclerae; Osteogenesis imperfecta type 1. Identifiers: Orphanet 216796, Orphanet 666, MedGen C0023931, MONDO:0008146, OMIM 166200. Disease mechanism: loss of function.

Allele frequency attached by ClinVar (database versions not stated): ExAC 0.00001; gnomAD exomes 0.00002 and 0.00005; gnomAD 0.00005; TOPMed 0.00006.
gnomAD v4.1: 82 of 1,592,994 alleles (0.0051%); highest among the groups gnomAD compares: Non-Finnish European, 0.0067%; no homozygotes.

Submissions (4):

Labcorp Genetics (formerly Invitae), Labcorp
Classification: Likely benign for Osteogenesis imperfecta type I. Last evaluated: 2026-01-18. Review status: criteria provided, single submitter. Criteria: Invitae Variant Classification Sherloc (09022015). Collection method: clinical testing. Allele origin: germline.

Blueprint Genetics
Classification: Likely benign. Last evaluated: 2024-08-26. Review status: criteria provided, single submitter. Criteria: ACMG Guidelines, 2015. Collection method: clinical testing. Allele origin: germline.

Ambry Genetics
Classification: Likely benign for Cardiovascular phenotype. Last evaluated: 2021-06-12. Review status: criteria provided, single submitter. Criteria: Ambry Variant Classification Scheme 2023. Collection method: clinical testing. Allele origin: germline.

PreventionGenetics, part of Exact Sciences
Classification: Likely benign for COL1A1-related condition. Last evaluated: 2019-09-18. Review status: no assertion criteria provided. Collection method: clinical testing. Allele origin: germline. Not counted in ClinVar's aggregate classification.
Comment: This variant is classified as likely benign based on ACMG/AMP sequence variant interpretation guidelines (Richards et al. 2015 PMID: 25741868, with internal and published modifications).